The following is an entry in ClinVar:

ClinVar aggregate classification (germline): Uncertain significance. Review status: criteria provided, multiple submitters, no conflicts (2 of 4 stars). 3 submissions from 3 submitters: Uncertain significance (2). 1 of the submissions does not count toward it. Last evaluated 2024-10-18.

Conditions:
FDFT1-related disorder. Also called: FDFT1-related condition.

gnomAD v4.1: 689 of 1,614,188 alleles (0.043%); highest among the groups gnomAD compares: Admixed American, 0.1%; 1 homozygote.

Submissions (3):

Blueprint Genetics
Classification: Uncertain significance. Last evaluated: 2024-10-18. Review status: criteria provided, single submitter. Criteria: ACMG Guidelines, 2015. Collection method: clinical testing. Allele origin: germline.

CeGaT Center for Human Genetics Tuebingen
Classification: Uncertain significance. Last evaluated: 2024-09-01. Review status: criteria provided, single submitter. Criteria: CeGaT Center For Human Genetics Tuebingen Variant Classification Criteria Version 2. Collection method: clinical testing. Allele origin: germline. Affected: yes. Observed: 1 variant allele.
Comment: FDFT1: PM2

PreventionGenetics, part of Exact Sciences
Classification: Uncertain significance for FDFT1-related condition. Last evaluated: 2024-07-03. Review status: no assertion criteria provided. Collection method: clinical testing. Allele origin: germline. Not counted in ClinVar's aggregate classification.
Comment: The FDFT1 c.482C>G variant is predicted to result in the amino acid substitution p.Ser161Cys. To our knowledge, this variant has not been reported in the literature. This variant is reported in 0.099% of alleles in individuals of Latino descent in gnomAD. Although we suspect that this variant may be benign, at this time, the clinical significance of this variant is uncertain due to the absence of conclusive functional and genetic evidence.

NM_004462.5(FDFT1):c.305C>G (p.Ser102Cys)

Gene: FDFT1 (farnesyl-diphosphate farnesyltransferase 1). Cytogenetic location: 8p23.1.
Variant type: single nucleotide variant.
Coding change: c.305C>G on transcript NM_004462.5 (MANE Select); coding-DNA position 305, C replaced by G.
Protein change: p.Ser102Cys; replaces serine 102 with cysteine.
Molecular consequence: missense variant. On other transcripts: intron variant (1).
Genome position (GRCh38, 1-based): chr8:11,809,774, C>G. VCF-style: chr8-11809774-C-G. GRCh37 (hg19) VCF-style: chr8-11667283-C-G.
Other names: c.305C>G, p.Ser102Cys (NM_001287742.2, NM_001287743.2); c.113C>G, p.Ser38Cys (NM_001287744.2, NM_001287745.2, NM_001287747.2 and 2 more transcripts); c.482C>G, p.Ser161Cys (NM_001287750.2); c.50C>G, p.Ser17Cys (NM_001287751.2); c.64+6864C>G (NM_001287756.2); short protein forms S102C, S161C, S17C, S38C.
Identifiers: ClinVar variation 3350386 (VCV003350386.16).